The following is an entry in ClinVar:

NM_001374385.1(ATP8B1):c.2967C>T (p.Asn989=)

Genes: ATP8B1 (ATPase phospholipid transporting 8B1; minus strand), ATP8B1-AS1 (ATP8B1 antisense RNA 1; plus strand). Cytogenetic location: 18q21.31.
Variant type: single nucleotide variant.
Coding change: c.2967C>T on transcript NM_001374385.1 (MANE Select); coding-DNA position 2967, C replaced by T.
Protein change: p.Asn989=; no amino-acid change (asparagine 989 retained).
Molecular consequence: synonymous variant.
Genome position (GRCh38, 1-based): chr18:57,654,040, G>A on the plus strand (C>T on the coding strand, the complement: ATP8B1 is on the minus strand). VCF-style: chr18-57654040-G-A. GRCh37 (hg19) VCF-style: chr18-55321272-G-A.
Other names: c.2967C>T (NM_005603.4); c.2817C>T, p.Asn939= (NM_001374386.1); c.2967C>T, p.Asn989= (NM_005603.6).
Identifiers: ClinVar variation 2997049 (VCV002997049.5), dbSNP rs749104027, ClinGen allele CA8974109.

ClinVar aggregate classification (germline): Likely benign. Review status: criteria provided, single submitter (1 of 4 stars). 2 submissions from 2 submitters: Likely benign (1). 1 of the submissions does not count toward it. Last evaluated 2024-03-02.

Conditions:
ATP8B1-related disorder. Also called: ATP8B1-related disorders; ATP8B1-related condition.

Allele frequency attached by ClinVar (database versions not stated): TOPMed below 0.00001; gnomAD 0.00001; ExAC 0.00002; gnomAD exomes 0.00003.
gnomAD v4.1: 43 of 1,613,972 alleles (0.0027%); highest among the groups gnomAD compares: Non-Finnish European, 0.0036%; no homozygotes.

Submissions (2):

Labcorp Genetics (formerly Invitae), Labcorp
Classification: Likely benign. Last evaluated: 2024-03-02. Review status: criteria provided, single submitter. Criteria: Invitae Variant Classification Sherloc (09022015). Collection method: clinical testing. Allele origin: germline.

PreventionGenetics, part of Exact Sciences
Classification: Likely benign for ATP8B1-related condition. Last evaluated: 2019-07-01. Review status: no assertion criteria provided. Collection method: clinical testing. Allele origin: germline. Not counted in ClinVar's aggregate classification.
Comment: This variant is classified as likely benign based on ACMG/AMP sequence variant interpretation guidelines (Richards et al. 2015 PMID: 25741868, with internal and published modifications).